The following is an entry in ClinVar:

ClinVar aggregate classification (germline): Uncertain significance (1 of 4 stars; one submission).

Submission:

Labcorp Genetics (formerly Invitae), Labcorp
Classification: Uncertain significance. Last evaluated: 2022-05-06. Review status: criteria provided, single submitter. Criteria: Invitae Variant Classification Sherloc (09022015). Collection method: clinical testing. Allele origin: germline.
Comment: In summary, the available evidence is currently insufficient to determine the role of this variant in disease. Therefore, it has been classified as a Variant of Uncertain Significance. Algorithms developed to predict the effect of missense changes on protein structure and function (SIFT, PolyPhen-2, Align-GVGD) all suggest that this variant is likely to be tolerated. This variant has not been reported in the literature in individuals affected with CLUAP1-related conditions. This variant is not present in population databases (gnomAD no frequency). This sequence change replaces glutamine, which is neutral and polar, with glutamic acid, which is acidic and polar, at codon 272 of the CLUAP1 protein (p.Gln272Glu).

NM_015041.3(CLUAP1):c.814C>G (p.Gln272Glu)

Gene: CLUAP1 (clusterin associated protein 1; plus strand). Cytogenetic location: 16p13.3.
Variant type: single nucleotide variant.
Coding change: c.814C>G on transcript NM_015041.3 (MANE Select); coding-DNA position 814, C replaced by G.
Protein change: p.Gln272Glu; replaces glutamine 272 with glutamic acid.
Molecular consequence: missense variant.
Genome position (GRCh38, 1-based): chr16:3,523,258, C>G. VCF-style: chr16-3523258-C-G. GRCh37 (hg19) VCF-style: chr16-3573258-C-G.
Other names: c.814C>G, p.Gln272Glu (NM_001330454.2); c.316C>G, p.Gln106Glu (NM_024793.3); short protein forms Q106E, Q272E.
Identifiers: ClinVar variation 2134503 (VCV002134503.4), dbSNP rs2543980711, ClinGen allele CA394514334.